The following is an entry in ClinVar:

NM_000051.4(ATM):c.2947G>T (p.Asp983Tyr)

Gene: ATM (ATM serine/threonine kinase; plus strand). Cytogenetic location: 11q22.3.
Variant type: single nucleotide variant.
Coding change: c.2947G>T on transcript NM_000051.4 (MANE Select); coding-DNA position 2947, G replaced by T.
Protein change: p.Asp983Tyr; replaces aspartic acid 983 with tyrosine.
Molecular consequence: missense variant.
Genome position (GRCh38, 1-based): chr11:108,271,276, G>T. VCF-style: chr11-108271276-G-T. GRCh37 (hg19) VCF-style: chr11-108142003-G-T.
Other names: c.2947G>T, p.Asp983Tyr (NM_001351834.2); c.2947G>T (NM_000051.3); short protein forms D983Y.
Identifiers: ClinVar variation 1013913 (VCV001013913.9), dbSNP rs1060501560, ClinGen allele CA382547165.

ClinVar aggregate classification (germline): Uncertain significance. Review status: criteria provided, multiple submitters, no conflicts (2 of 4 stars). 2 submissions from 2 submitters: Uncertain significance (2). Last evaluated 2025-08-03.

Conditions:
Hereditary cancer-predisposing syndrome. Also called: Tumor predisposition; Hereditary Cancer Syndrome; Neoplastic Syndromes, Hereditary; Hereditary neoplastic syndrome. Identifiers: Orphanet 140162, MedGen C0027672, MeSH D009386, MONDO:0015356.
Ataxia-telangiectasia syndrome (AT). Also called: Cerebello-oculocutaneous telangiectasia; Immunodeficiency with ataxia telangiectasia; ATAXIA-TELANGIECTASIA, COMPLEMENTATION GROUP A; ATAXIA-TELANGIECTASIA, FRESNO VARIANT; LOUIS-BAR SYNDROME; Ataxia-telangiectasia, complementation group E. Identifiers: Orphanet 100, MedGen C0004135, MONDO:0008840, OMIM 208900.

Submissions (2):

Labcorp Genetics (formerly Invitae), Labcorp
Classification: Uncertain significance for Ataxia-telangiectasia syndrome. Last evaluated: 2025-08-03. Review status: criteria provided, single submitter. Criteria: Invitae Variant Classification Sherloc (09022015). Collection method: clinical testing. Allele origin: germline.
Comment: This sequence change replaces aspartic acid, which is acidic and polar, with tyrosine, which is neutral and polar, at codon 983 of the ATM protein (p.Asp983Tyr). This variant is not present in population databases (gnomAD no frequency). This variant has not been reported in the literature in individuals affected with ATM-related conditions. ClinVar contains an entry for this variant (Variation ID: 1013913). Invitae Evidence Modeling of protein sequence and biophysical properties (such as structural, functional, and spatial information, amino acid conservation, physicochemical variation, residue mobility, and thermodynamic stability) has been performed for this missense variant. However, the output from this modeling did not meet the statistical confidence thresholds required to predict the impact of this variant on ATM protein function. In summary, the available evidence is currently insufficient to determine the role of this variant in disease. Therefore, it has been classified as a Variant of Uncertain Significance.

Ambry Genetics
Classification: Uncertain significance for Hereditary cancer-predisposing syndrome. Last evaluated: 2025-02-08. Review status: criteria provided, single submitter. Criteria: Ambry Variant Classification Scheme 2023. Collection method: clinical testing. Allele origin: germline.
Comment: The p.D983Y variant (also known as c.2947G>T), located in coding exon 19 of the ATM gene, results from a G to T substitution at nucleotide position 2947. The aspartic acid at codon 983 is replaced by tyrosine, an amino acid with highly dissimilar properties. This amino acid position is conserved. In addition, this alteration is predicted to be deleterious by in silico analysis. Based on the available evidence, the clinical significance of this variant remains unclear.